The following is an entry in ClinVar:

NM_016120.4(RLIM):c.1403G>A (p.Ser468Asn)

Gene: RLIM (ring finger protein, LIM domain interacting; minus strand). Cytogenetic location: Xq13.2.
Variant type: single nucleotide variant.
Coding change: c.1403G>A on transcript NM_016120.4 (MANE Select); coding-DNA position 1403, G replaced by A.
Protein change: p.Ser468Asn; replaces serine 468 with asparagine.
Molecular consequence: missense variant.
Genome position (GRCh38, 1-based): chrX:74,591,912, C>T on the plus strand (G>A on the coding strand, the complement: RLIM is on the minus strand). VCF-style: chrX-74591912-C-T. GRCh37 (hg19) VCF-style: chrX-73811747-C-T.
Other names: c.1403G>A, p.Ser468Asn (NM_183353.3); short protein forms S468N.
Identifiers: ClinVar variation 1327692 (VCV001327692.2), dbSNP rs2079616837, ClinGen allele CA413660236.

ClinVar aggregate classification (germline): Uncertain significance (1 of 4 stars; one submission).

Submission:

GeneDx
Classification: Uncertain significance. Last evaluated: 2021-04-28. Review status: criteria provided, single submitter. Criteria: GeneDx Variant Classification Process June 2021. Collection method: clinical testing. Allele origin: germline. Affected: yes.
Comment: Not observed in large population cohorts (Lek et al., 2016); In silico analysis supports that this missense variant does not alter protein structure/function; Has not been previously published as pathogenic or benign to our knowledge